The following is an entry in ClinVar:

ClinVar aggregate classification (germline): Uncertain significance (1 of 4 stars; one submission).

Conditions:
Familial cancer of breast. Also called: BREAST CANCER, FAMILIAL; hereditary breast carcinoma; Hereditary breast cancer. Identifiers: Orphanet 227535, MedGen C0346153, MONDO:0016419, OMIM 114480. Disease mechanism: loss of function.

Submission:

Labcorp Genetics (formerly Invitae), Labcorp
Classification: Uncertain significance for Familial cancer of breast. Last evaluated: 2018-06-01. Review status: criteria provided, single submitter. Criteria: Invitae Variant Classification Sherloc (09022015). Collection method: clinical testing. Allele origin: germline.
Comment: This sequence change inserts 27 nucleotides in intron 9 (c.1903+5_1903+6ins27) of the BARD1 gene, but does not directly change the encoded amino acid sequence of the BARD1 protein. The frequency data for this variant in the population databases is considered unreliable, as metrics indicate poor data quality at this position in the ExAC database. This variant has not been reported in the literature in individuals with BARD1-related disease. ClinVar contains an entry for this variant (Variation ID: 419932). Algorithms developed to predict the effect of sequence changes on RNA splicing suggest that this variant may create or strengthen a splice site, but this prediction has not been confirmed by published transcriptional studies. In summary, the available evidence is currently insufficient to determine the role of this variant in disease. Therefore, it has been classified as a Variant of Uncertain Significance.

NM_000465.3(BARD1):c.1903+5_1903+6ins27

Gene: BARD1 (BRCA1 associated RING domain 1; minus strand). Cytogenetic location: 2q35.
Variant type: Insertion.
Coding change: c.1903+5_1903+6ins27 on transcript NM_000465.3; bases 5 to 6 of the intron after coding-DNA position 1903, an insertion.
Identifiers: ClinVar variation 460730 (VCV000460730.2).